The following is an entry in ClinVar:

ClinVar aggregate classification (germline): Benign. Review status: criteria provided, multiple submitters, no conflicts (2 of 4 stars). 3 submissions from 3 submitters: Benign (2). 1 of the submissions does not count toward it. Last evaluated 2018-06-29.

Conditions:
PLXNA1-related disorder. Also called: PLXNA1-related condition.

Allele frequency attached by ClinVar (database versions not stated): gnomAD exomes 0.00015 and 0.00042; ExAC 0.00048; 1000 Genomes Project 0.00120; gnomAD 0.00138 and 0.00152; 1000 Genomes Project 30x 0.00141; ESP Exome Variant Server 0.00154; TOPMed 0.00176.
gnomAD v4.1: 448 of 1,612,520 alleles (0.028%); highest among the groups gnomAD compares: African/African-American, 0.51%; 2 homozygotes.

Submissions (3):

Labcorp Genetics (formerly Invitae), Labcorp
Classification: Benign. Last evaluated: 2018-06-29. Review status: criteria provided, single submitter. Criteria: Invitae Variant Classification Sherloc (09022015). Collection method: clinical testing. Allele origin: germline.

Breakthrough Genomics
Classification: Benign. Review status: criteria provided, single submitter. Criteria: ACMG Guidelines, 2015. Collection method: not provided. Allele origin: germline. Inheritance: Autosomal recessive inheritance. Affected: yes.

PreventionGenetics, part of Exact Sciences
Classification: Likely benign for PLXNA1-related condition. Last evaluated: 2023-11-01. Review status: no assertion criteria provided. Collection method: clinical testing. Allele origin: germline. Not counted in ClinVar's aggregate classification.
Comment: This variant is classified as likely benign based on ACMG/AMP sequence variant interpretation guidelines (Richards et al. 2015 PMID: 25741868, with internal and published modifications).

NM_032242.4(PLXNA1):c.2802C>T (p.Asp934=)

Gene: PLXNA1 (plexin A1; plus strand). Cytogenetic location: 3q21.3.
Variant type: single nucleotide variant.
Coding change: c.2802C>T on transcript NM_032242.4 (MANE Select); coding-DNA position 2802, C replaced by T.
Protein change: p.Asp934=; no amino-acid change (aspartic acid 934 retained).
Molecular consequence: synonymous variant.
Genome position (GRCh38, 1-based): chr3:127,014,756, C>T. VCF-style: chr3-127014756-C-T. GRCh37 (hg19) VCF-style: chr3-126733599-C-T.
Identifiers: ClinVar variation 709401 (VCV000709401.6), dbSNP rs141302156, ClinGen allele CA2593783.